The following is an entry in ClinVar:

ClinVar aggregate classification (germline): Uncertain significance (1 of 4 stars; one submission).

Submission:

GeneDx
Classification: Uncertain significance. Last evaluated: 2024-09-16. Review status: criteria provided, single submitter. Criteria: GeneDx Variant Classification Process June 2021. Collection method: clinical testing. Allele origin: germline. Affected: yes.
Comment: Not observed at significant frequency in large population cohorts (gnomAD); In silico analysis supports that this missense variant has a deleterious effect on protein structure/function; Has not been previously published as pathogenic or benign to our knowledge

NM_017654.4(SAMD9):c.887A>T (p.Asn296Ile)

Gene: SAMD9 (sterile alpha motif domain containing 9; minus strand). Cytogenetic location: 7q21.2.
Variant type: single nucleotide variant.
Coding change: c.887A>T on transcript NM_017654.4 (MANE Select); coding-DNA position 887, A replaced by T.
Protein change: p.Asn296Ile; replaces asparagine 296 with isoleucine.
Molecular consequence: missense variant.
Genome position (GRCh38, 1-based): chr7:93,105,211, T>A on the plus strand (A>T on the coding strand, the complement: SAMD9 is on the minus strand). VCF-style: chr7-93105211-T-A. GRCh37 (hg19) VCF-style: chr7-92734524-T-A.
Other names: c.887A>T, p.Asn296Ile (NM_001193307.2); short protein forms N296I.
Identifiers: ClinVar variation 3769761 (VCV003769761.1).